The following is an entry in ClinVar:

NM_005652.5(TERF2):c.948-80A>C

Gene: TERF2 (telomeric repeat binding factor 2; minus strand). Cytogenetic location: 16q22.1.
Variant type: single nucleotide variant.
Coding change: c.948-80A>C on transcript NM_005652.5 (MANE Select); 80 bases into the intron before coding-DNA position 948, A replaced by C.
Molecular consequence: intron variant.
Genome position (GRCh38, 1-based): chr16:69,367,279, T>G on the plus strand (A>C on the coding strand, the complement: TERF2 is on the minus strand). VCF-style: chr16-69367279-T-G. GRCh37 (hg19) VCF-style: chr16-69401182-T-G.
Identifiers: ClinVar variation 4795418 (VCV004795418.1).

ClinVar aggregate classification (germline): Likely benign (1 of 4 stars; one submission).

gnomAD v4.1: 21,536 of 1,469,974 alleles (1.5%); highest among the groups gnomAD compares: Non-Finnish European, 1.7%; 194 homozygotes.

Submission:

GeneDx
Classification: Likely benign. Last evaluated: 2019-06-14. Review status: criteria provided, single submitter. Criteria: GeneDx Variant Classification Process June 2021. Collection method: clinical testing. Allele origin: germline. Affected: yes.
Comment: See Variant Classification Assertion Criteria.